The following is an entry in ClinVar:

NM_006393.3(NEBL):c.686T>C (p.Ile229Thr)

Gene: NEBL (nebulette; minus strand). Cytogenetic location: 10p12.31.
Variant type: single nucleotide variant.
Coding change: c.686T>C on transcript NM_006393.3 (MANE Select); coding-DNA position 686, T replaced by C.
Protein change: p.Ile229Thr; replaces isoleucine 229 with threonine.
Molecular consequence: missense variant. On other transcripts: intron variant (9).
Genome position (GRCh38, 1-based): chr10:20,859,825, A>G on the plus strand (T>C on the coding strand, the complement: NEBL is on the minus strand). VCF-style: chr10-20859825-A-G. GRCh37 (hg19) VCF-style: chr10-21148754-A-G.
Other names: c.250-46885T>C (NM_001377326.1, NM_001377327.1, NM_001377328.1); c.358-46885T>C (NM_213569.2, NM_001173484.2, NM_001377322.1); c.301-46885T>C (NM_001377324.1); c.292-46885T>C (NM_001377325.1); c.310-46885T>C (NM_001377323.1); c.686T>C (NM_006393.2); short protein forms I229T.
Identifiers: ClinVar variation 1420931 (VCV001420931.11), dbSNP rs774523404, ClinGen allele CA5433133.

ClinVar aggregate classification (germline): Uncertain significance. Review status: criteria provided, multiple submitters, no conflicts (2 of 4 stars). 2 submissions from 2 submitters: Uncertain significance (2). Last evaluated 2025-05-10.

Conditions:
Primary dilated cardiomyopathy (DCM). Also called: Dilated Cardiomyopathy. Identifiers: Orphanet 217604, MedGen C0007193, MeSH D002311, MONDO:0005021, HP:0001644. Inheritance: Various modes of inheritance.

Allele frequency attached by ClinVar (database versions not stated): TOPMed below 0.00001; gnomAD 0.00001; gnomAD exomes 0.00002 and 0.00003; ExAC 0.00004.
gnomAD v4.1: 41 of 1,403,630 alleles (0.0029%); highest among the groups gnomAD compares: South Asian, 0.028%; no homozygotes.

Submissions (2):

Ambry Genetics
Classification: Uncertain significance. Last evaluated: 2025-05-10. Review status: criteria provided, single submitter. Criteria: Ambry Variant Classification Scheme 2023. Collection method: clinical testing. Allele origin: germline.
Comment: The p.I229T variant (also known as c.686T>C), located in coding exon 8 of the NEBL gene, results from a T to C substitution at nucleotide position 686. The isoleucine at codon 229 is replaced by threonine, an amino acid with similar properties. This amino acid position is conserved. In addition, this alteration is predicted to be tolerated by in silico analysis. Based on the available evidence, the clinical significance of this variant remains unclear.

Labcorp Genetics (formerly Invitae), Labcorp
Classification: Uncertain significance for Primary dilated cardiomyopathy. Last evaluated: 2022-08-16. Review status: criteria provided, single submitter. Criteria: Invitae Variant Classification Sherloc (09022015). Collection method: clinical testing. Allele origin: germline.
Comment: This variant is present in population databases (rs774523404, gnomAD 0.01%). This sequence change replaces isoleucine, which is neutral and non-polar, with threonine, which is neutral and polar, at codon 229 of the NEBL protein (p.Ile229Thr). This variant has not been reported in the literature in individuals affected with NEBL-related conditions. ClinVar contains an entry for this variant (Variation ID: 1420931). Algorithms developed to predict the effect of missense changes on protein structure and function are either unavailable or do not agree on the potential impact of this missense change (SIFT: "Deleterious"; PolyPhen-2: "Benign"; Align-GVGD: "Class C0"). In summary, the available evidence is currently insufficient to determine the role of this variant in disease. Therefore, it has been classified as a Variant of Uncertain Significance.